The following is an entry in ClinVar:

ClinVar aggregate classification (germline): Uncertain significance (1 of 4 stars; one submission).

Conditions:
Severe combined immunodeficiency due to DNA-PKcs deficiency. Also called: IMMUNODEFICIENCY 26 WITH NEUROLOGIC ABNORMALITIES; Immunodeficiency 26 with or without neurologic abnormalities. Identifiers: Orphanet 317425, MedGen C4014833, MONDO:0014423, OMIM 615966.

Allele frequency attached by ClinVar (database versions not stated): gnomAD 0.00001 and 0.00002; gnomAD exomes 0.00001; TOPMed 0.00001; ESP Exome Variant Server 0.00008; 1000 Genomes Project 30x 0.00016.
gnomAD v4.1: 14 of 1,597,000 alleles (0.00088%); highest among the groups gnomAD compares: African/African-American, 0.0054%; no homozygotes.

Submission:

Labcorp Genetics (formerly Invitae), Labcorp
Classification: Uncertain significance for Severe combined immunodeficiency due to DNA-PKcs deficiency. Last evaluated: 2024-02-24. Review status: criteria provided, single submitter. Criteria: Invitae Variant Classification Sherloc (09022015). Collection method: clinical testing. Allele origin: germline.
Comment: This sequence change replaces proline, which is neutral and non-polar, with leucine, which is neutral and non-polar, at codon 1734 of the PRKDC protein (p.Pro1734Leu). The frequency data for this variant in the population databases is considered unreliable, as metrics indicate poor data quality at this position in the gnomAD database. This variant has not been reported in the literature in individuals affected with PRKDC-related conditions. ClinVar contains an entry for this variant (Variation ID: 1463319). Advanced modeling of protein sequence and biophysical properties (such as structural, functional, and spatial information, amino acid conservation, physicochemical variation, residue mobility, and thermodynamic stability) performed at Invitae indicates that this missense variant is not expected to disrupt PRKDC protein function with a negative predictive value of 80%. In summary, the available evidence is currently insufficient to determine the role of this variant in disease. Therefore, it has been classified as a Variant of Uncertain Significance.

NM_006904.7(PRKDC):c.5201C>T (p.Pro1734Leu)

Gene: PRKDC (protein kinase, DNA-activated, catalytic subunit; minus strand). Cytogenetic location: 8q11.21.
Variant type: single nucleotide variant.
Coding change: c.5201C>T on transcript NM_006904.7 (MANE Select); coding-DNA position 5201, C replaced by T.
Protein change: p.Pro1734Leu; replaces proline 1734 with leucine.
Molecular consequence: missense variant.
Genome position (GRCh38, 1-based): chr8:47,879,525, G>A on the plus strand (C>T on the coding strand, the complement: PRKDC is on the minus strand). VCF-style: chr8-47879525-G-A. GRCh37 (hg19) VCF-style: chr8-48792086-G-A.
Other names: c.5201C>T, p.Pro1734Leu (NM_001081640.2); short protein forms P1734L.
Identifiers: ClinVar variation 1463319 (VCV001463319.6), dbSNP rs373826298, ClinGen allele CA4740698.